The following is an entry in ClinVar:

NM_003640.5(ELP1):c.3667A>T (p.Ser1223Cys)

Gene: ELP1 (elongator acetyltransferase complex subunit 1; minus strand). Cytogenetic location: 9q31.3.
Variant type: single nucleotide variant.
Coding change: c.3667A>T on transcript NM_003640.5 (MANE Select); coding-DNA position 3667, A replaced by T.
Protein change: p.Ser1223Cys; replaces serine 1223 with cysteine.
Molecular consequence: missense variant.
Genome position (GRCh38, 1-based): chr9:108,878,656, T>A on the plus strand (A>T on the coding strand, the complement: ELP1 is on the minus strand). VCF-style: chr9-108878656-T-A. GRCh37 (hg19) VCF-style: chr9-111640936-T-A.
Other names: c.3325A>T, p.Ser1109Cys (NM_001318360.2); c.2620A>T, p.Ser874Cys (NM_001330749.2); short protein forms S1109C, S1223C, S874C.
Identifiers: ClinVar variation 3602648 (VCV003602648.1).

ClinVar aggregate classification (germline): Uncertain significance (1 of 4 stars; one submission).

Conditions:
Medulloblastoma (MDB). Also called: MEDULLOBLASTOMA PREDISPOSITION SYNDROME; Medulloblastoma, somatic. Identifiers: Orphanet 616, MedGen C0025149, MeSH D008527, MONDO:0007959, OMIM 155255, HP:0002885.

Submission:

St. Jude Molecular Pathology, St. Jude Children's Research Hospital
Classification: Uncertain significance for Medulloblastoma. Last evaluated: 2024-07-12. Review status: criteria provided, single submitter. Criteria: St. Jude Assertion Criteria 2020. Collection method: clinical testing. Allele origin: germline.
Comment: The ELP1 c.3667A>T (p.Ser1223Cys) missense change is absent in gnomAD v2.1.1. The in silico tool REVEL predicts a benign effect on protein function, but to our knowledge this prediction has not been confirmed by functional studies. Splicing prediction algorithms didn't show definitive impact on splicing; however, this prediction has not been confirmed by RNA studies. To our knowledge, this variant has not been reported in the literature in individuals with a personal or family history of medulloblastoma or familial dysautonomia. In summary, the evidence currently available is insufficient to determine the clinical significance of this variant. It has therefore been classified as of uncertain significance.